The following is an entry in ClinVar:

NM_030665.4(RAI1):c.647del (p.Phe216fs)

Gene: RAI1 (retinoic acid induced 1; plus strand). Cytogenetic location: 17p11.2.
Variant type: Deletion.
Coding change: c.647del on transcript NM_030665.4 (MANE Select); coding-DNA position 647, one base deleted (T; older notation c.647delT).
Protein change: p.Phe216fs; shifts the reading frame from phenylalanine 216.
Molecular consequence: frameshift variant.
Genome position (GRCh38, 1-based): chr17:17,793,595, T deleted; the last of 2 consecutive T bases (chr17:17,793,594-17,793,595); deleting either gives the same sequence. VCF-style (leftmost placement, unchanged base first): chr17-17793593-CT-C. GRCh37 (hg19) VCF-style: chr17-17696907-CT-C.
Other names: short protein forms F216fs.
Identifiers: ClinVar variation 2715431 (VCV002715431.3), dbSNP rs2508570088, ClinGen allele CA2697559439.

ClinVar aggregate classification (germline): Pathogenic (1 of 4 stars; one submission).

Submission:

Labcorp Genetics (formerly Invitae), Labcorp
Classification: Pathogenic. Last evaluated: 2023-09-10. Review status: criteria provided, single submitter. Criteria: Invitae Variant Classification Sherloc (09022015). Collection method: clinical testing. Allele origin: germline.
Comment: This sequence change creates a premature translational stop signal (p.Phe216Serfs*36) in the RAI1 gene. It is expected to result in an absent or disrupted protein product. Loss-of-function variants in RAI1 are known to be pathogenic (PMID: 21857958, 24715852). This variant is not present in population databases (gnomAD no frequency). This variant has not been reported in the literature in individuals affected with RAI1-related conditions. For these reasons, this variant has been classified as Pathogenic.

Literature cited by the submitters: PubMed 21857958; PubMed 24715852.